The following is an entry in ClinVar:

ClinVar aggregate classification (germline): Uncertain significance (1 of 4 stars; one submission).

Submission:

GeneDx
Classification: Uncertain significance. Last evaluated: 2025-01-24. Review status: criteria provided, single submitter. Criteria: GeneDx Variant Classification Process June 2021. Collection method: clinical testing. Allele origin: germline. Affected: yes.
Comment: Not observed at significant frequency in large population cohorts (gnomAD); In silico analysis supports that this missense variant has a deleterious effect on protein structure/function; Has not been previously published as pathogenic or benign to our knowledge

NM_001005273.3(CHD3):c.2968C>G (p.Pro990Ala)

Gene: CHD3 (chromodomain helicase DNA binding protein 3; plus strand). Cytogenetic location: 17p13.1.
Variant type: single nucleotide variant.
Coding change: c.2968C>G on transcript NM_001005273.3 (MANE Select); coding-DNA position 2968, C replaced by G.
Protein change: p.Pro990Ala; replaces proline 990 with alanine.
Molecular consequence: missense variant.
Genome position (GRCh38, 1-based): chr17:7,900,721, C>G. VCF-style: chr17-7900721-C-G. GRCh37 (hg19) VCF-style: chr17-7804039-C-G.
Other names: c.3145C>G, p.Pro1049Ala (NM_001005271.3); c.2968C>G, p.Pro990Ala (NM_005852.4); short protein forms P1049A, P990A.
Identifiers: ClinVar variation 4071791 (VCV004071791.1).